The following is an entry in ClinVar:

NM_201599.3(ZMYM3):c.2296C>T (p.Pro766Ser)

Gene: ZMYM3 (zinc finger MYM-type containing 3; minus strand). Cytogenetic location: Xq13.1.
Variant type: single nucleotide variant.
Coding change: c.2296C>T on transcript NM_201599.3 (MANE Select); coding-DNA position 2296, C replaced by T.
Protein change: p.Pro766Ser; replaces proline 766 with serine.
Molecular consequence: missense variant.
Genome position (GRCh38, 1-based): chrX:71,247,363, G>A on the plus strand (C>T on the coding strand, the complement: ZMYM3 is on the minus strand). VCF-style: chrX-71247363-G-A. GRCh37 (hg19) VCF-style: chrX-70467213-G-A.
Other names: c.2296C>T, p.Pro766Ser (NM_001171162.1, NM_005096.3); short protein forms P766S.
Identifiers: ClinVar variation 4294395 (VCV004294395.1).
Genomic context (GRCh38, chrX:71,247,363, plus strand): 5'-CAGGCTCCCTCTAACAGAGTGTACCCCCTGCCTGGGACTCACTGTTCAGGAGGCTCTCGG[G>A]CCCACTCTGGGTATCCAGGTTGGGTTGGTTCTGCTGGCTATAGAAACGCAGAAGACACTG-3'
Protein context (NP_963893.1, residues 756-776): NQPNLDTQSG[Pro766Ser]ESLLNSQSPE

ClinVar aggregate classification (germline): Uncertain significance (1 of 4 stars; one submission).

Conditions:
Intellectual developmental disorder, X-linked 112 (XLID112). Identifiers: MedGen C5829589, MONDO:0957496, OMIM 301111.

Submission:

Laboratoire Génétique Moléculaire, CHRU TOURS
Classification: Uncertain significance for Intellectual developmental disorder, X-linked 112. Last evaluated: 2025-03-17. Review status: criteria provided, single submitter. Criteria: ACMG Guidelines, 2015. Collection method: clinical testing. Allele origin: maternal.
Comment: PM2